The following is an entry in ClinVar:

ClinVar aggregate classification (germline): Uncertain significance (1 of 4 stars; one submission).

Submission:

Labcorp Genetics (formerly Invitae), Labcorp
Classification: Uncertain significance. Last evaluated: 2024-12-05. Review status: criteria provided, single submitter. Criteria: Invitae Variant Classification Sherloc (09022015). Collection method: clinical testing. Allele origin: germline.
Comment: This sequence change replaces glycine, which is neutral and non-polar, with alanine, which is neutral and non-polar, at codon 1763 of the FN1 protein (p.Gly1763Ala). This variant is not present in population databases (gnomAD no frequency). This variant has not been reported in the literature in individuals affected with FN1-related conditions. An algorithm developed to predict the effect of missense changes on protein structure and function (PolyPhen-2) suggests that this variant is likely to be disruptive. In summary, the available evidence is currently insufficient to determine the role of this variant in disease. Therefore, it has been classified as a Variant of Uncertain Significance.

NM_212482.4(FN1):c.5288G>C (p.Gly1763Ala)

Gene: FN1 (fibronectin 1; minus strand). Cytogenetic location: 2q35.
Variant type: single nucleotide variant.
Coding change: c.5288G>C on transcript NM_212482.4 (MANE Select); coding-DNA position 5288, G replaced by C.
Protein change: p.Gly1763Ala; replaces glycine 1763 with alanine.
Molecular consequence: missense variant. On other transcripts: intron variant (10).
Genome position (GRCh38, 1-based): chr2:215,380,957, C>G on the plus strand (G>C on the coding strand, the complement: FN1 is on the minus strand). VCF-style: chr2-215380957-C-G. GRCh37 (hg19) VCF-style: chr2-216245680-C-G.
Other names: c.4891+1255G>C (NM_212474.3, NM_001306132.2, NM_001365523.2 and 2 more transcripts); c.5164+1255G>C (NM_001306130.2, NM_001365522.2, NM_001365519.2 and 2 more transcripts); c.5288G>C, p.Gly1763Ala (NM_001306129.2); c.5015G>C, p.Gly1672Ala (NM_001365518.2, NM_001365520.2, NM_001365524.2 and 2 more transcripts); short protein forms G1763A, G1672A.
Identifiers: ClinVar variation 3726660 (VCV003726660.2).